The following is an entry in ClinVar:

ClinVar aggregate classification (germline): Pathogenic. Review status: criteria provided, multiple submitters, no conflicts (2 of 4 stars). 4 submissions from 4 submitters: Pathogenic (2). 2 of the submissions do not count toward it. Last evaluated 2023-06-13.

Conditions:
beta Thalassemia (BTHAL). Also called: Cooley's anemia; Erythroblastic anemia; Mediterranean anemia. Identifiers: Orphanet 848, MedGen C0005283, MONDO:0019402. Disease mechanism: loss of function.
Beta zero thalassemia. Identifiers: MedGen C0271980.

Allele frequency attached by ClinVar (database versions not stated): gnomAD exomes below 0.00001.
gnomAD v4.1: 1 of 1,613,822 alleles (0.000062%); highest among the groups gnomAD compares: Non-Finnish European, 0.000085%; no homozygotes.

Submissions (4):

Quest Diagnostics Nichols Institute San Juan Capistrano
Classification: Pathogenic. Last evaluated: 2023-06-13. Review status: criteria provided, single submitter. Criteria: Quest Diagnostics criteria. Collection method: clinical testing. Allele origin: unknown.
Comment: The HBB c.93-2A>G pathogenic variant disrupts a canonical splice-acceptor site and interferes with normal HBB mRNA splicing. This variant is associated with beta(0)-thalassemia, and has been reported in individuals with heterozygous, high Hb A2, beta-thalassemia (PMID: 9163586 (1997)). Previous names for this variant include IVS-I-129 (A>G). Based on the available information, this variant is classified as pathogenic.

Mendelics
Classification: Pathogenic for Beta-thalassemia HBB/LCRB. Last evaluated: 2019-05-28. Review status: criteria provided, single submitter. Criteria: Mendelics Assertion Criteria 2017. Collection method: clinical testing. Allele origin: unknown.

The ITHANET community portal, The Cyprus Institute of Neurology and Genetics
Classification: Pathogenic for beta Thalassemia. Last evaluated: 2019-11-25. Review status: no assertion criteria provided. Collection method: curation. Allele origin: germline. Not counted in ClinVar's aggregate classification.

OMIM
Classification: Pathogenic for BETA-ZERO-THALASSEMIA. Last evaluated: 1998-07-01. Review status: no assertion criteria provided. Collection method: literature only. Allele origin: germline. Not counted in ClinVar's aggregate classification.

Literature cited by the submitters: PubMed 9163586 (cited by Quest Diagnostics Nichols Institute San Juan Capistrano and The ITHANET community portal, The Cyprus Institute of Neurology and Genetics); PubMed 23348723 (cited by Quest Diagnostics Nichols Institute San Juan Capistrano); PubMed 25525159 (cited by Quest Diagnostics Nichols Institute San Juan Capistrano); PubMed 9340427 (cited by Quest Diagnostics Nichols Institute San Juan Capistrano); PubMed 31286593 (cited by Quest Diagnostics Nichols Institute San Juan Capistrano); PubMed 9494053 (cited by OMIM); PubMed 9730368 (cited by OMIM).

NM_000518.5(HBB):c.93-2A>G

Genes: HBB (hemoglobin subunit beta; minus strand), LOC106099062 (HBB recombination region; plus strand), LOC107133510 (origin of replication at HBB; plus strand). Cytogenetic location: 11p15.4.
Variant type: single nucleotide variant.
Coding change: c.93-2A>G on transcript NM_000518.5 (MANE Select); the canonical splice acceptor site of the intron before coding-DNA position 93, A replaced by G.
Molecular consequence: splice acceptor variant.
Genome position (GRCh38, 1-based): chr11:5,226,801, T>C on the plus strand (A>G on the coding strand, the complement: HBB is on the minus strand). VCF-style: chr11-5226801-T-C. GRCh37 (hg19) VCF-style: chr11-5248031-T-C.
Other names: IVS I-129 (A>G); IVS1AS, A-G, -2.
Identifiers: ClinVar variation 15562 (VCV000015562.5), dbSNP rs63750513, ClinGen allele CA217114698.